The following is an entry in ClinVar:

ClinVar aggregate classification (germline): Uncertain significance (1 of 4 stars; one submission).

Conditions:
Hereditary cancer-predisposing syndrome. Also called: Neoplastic Syndromes, Hereditary; Tumor predisposition; Hereditary Cancer Syndrome; Hereditary neoplastic syndrome. Identifiers: Orphanet 140162, MedGen C0027672, MeSH D009386, MONDO:0015356.

Submission:

Ambry Genetics
Classification: Uncertain significance for Hereditary cancer-predisposing syndrome. Last evaluated: 2026-04-02. Review status: criteria provided, single submitter. Criteria: Ambry Variant Classification Scheme 2023. Collection method: clinical testing. Allele origin: germline.
Comment: The p.K47E variant (also known as c.139A>G), located in coding exon 1 of the AXIN2 gene, results from an A to G substitution at nucleotide position 139. The lysine at codon 47 is replaced by glutamic acid, an amino acid with similar properties. This amino acid position is not well conserved in available vertebrate species. In addition, this alteration is predicted to be tolerated by in silico analysis. Based on the available evidence, the clinical significance of this variant remains unclear.

NM_004655.4(AXIN2):c.139A>G (p.Lys47Glu)

Gene: AXIN2 (axin 2; minus strand). Cytogenetic location: 17q24.1.
Variant type: single nucleotide variant.
Coding change: c.139A>G on transcript NM_004655.4 (MANE Select); coding-DNA position 139, A replaced by G.
Protein change: p.Lys47Glu; replaces lysine 47 with glutamic acid.
Molecular consequence: missense variant.
Genome position (GRCh38, 1-based): chr17:65,558,482, T>C on the plus strand (A>G on the coding strand, the complement: AXIN2 is on the minus strand). VCF-style: chr17-65558482-T-C. GRCh37 (hg19) VCF-style: chr17-63554600-T-C.
Other names: c.139A>G, p.Lys47Glu (NM_001363813.1); short protein forms K47E.
Identifiers: ClinVar variation 4867296 (VCV004867296.1).